The following is an entry in ClinVar:

ClinVar aggregate classification (germline): Uncertain significance. Review status: criteria provided, multiple submitters, no conflicts (2 of 4 stars). 2 submissions from 2 submitters: Uncertain significance (2). Last evaluated 2025-05-20.

Conditions:
Hyperkalemic periodic paralysis. Also called: Familial hyperkalemic periodic paralysis; Gamstorp disease. Identifiers: Orphanet 682, MedGen C0238357, MONDO:0008224, OMIM 170500, HP:0007215.
Inborn genetic diseases. Identifiers: MedGen C0950123, MeSH D030342.

Allele frequency attached by ClinVar (database versions not stated): gnomAD exomes below 0.00001.
gnomAD v4.1: 1 of 1,613,530 alleles (0.000062%); highest among the groups gnomAD compares: Admixed American, 0.0017%; no homozygotes.

Submissions (2):

Ambry Genetics
Classification: Uncertain significance for Inborn genetic diseases. Last evaluated: 2025-05-20. Review status: criteria provided, single submitter. Criteria: Ambry Variant Classification Scheme 2023. Collection method: clinical testing. Allele origin: germline.

Labcorp Genetics (formerly Invitae), Labcorp
Classification: Uncertain significance for Hyperkalemic periodic paralysis. Last evaluated: 2022-10-04. Review status: criteria provided, single submitter. Criteria: Invitae Variant Classification Sherloc (09022015). Collection method: clinical testing. Allele origin: germline.
Comment: In summary, the available evidence is currently insufficient to determine the role of this variant in disease. Therefore, it has been classified as a Variant of Uncertain Significance. Advanced modeling of protein sequence and biophysical properties (such as structural, functional, and spatial information, amino acid conservation, physicochemical variation, residue mobility, and thermodynamic stability) performed at Invitae indicates that this missense variant is expected to disrupt SCN4A protein function. This variant has not been reported in the literature in individuals affected with SCN4A-related conditions. This variant is present in population databases (no rsID available, gnomAD 0.003%). This sequence change replaces lysine, which is basic and polar, with glutamic acid, which is acidic and polar, at codon 1466 of the SCN4A protein (p.Lys1466Glu).

NM_000334.4(SCN4A):c.4396A>G (p.Lys1466Glu)

Genes: GH-LCR (growth hormone locus control region; plus strand), SCN4A (sodium voltage-gated channel alpha subunit 4; minus strand). Cytogenetic location: 17q23.3.
Variant type: single nucleotide variant.
Coding change: c.4396A>G on transcript NM_000334.4 (MANE Select); coding-DNA position 4396, A replaced by G.
Protein change: p.Lys1466Glu; replaces lysine 1466 with glutamic acid.
Molecular consequence: missense variant.
Genome position (GRCh38, 1-based): chr17:63,941,886, T>C on the plus strand (A>G on the coding strand, the complement: SCN4A is on the minus strand). VCF-style: chr17-63941886-T-C. GRCh37 (hg19) VCF-style: chr17-62019246-T-C.
Other names: short protein forms K1466E.
Identifiers: ClinVar variation 2197823 (VCV002197823.5), dbSNP rs1387315746, ClinGen allele CA400616107.